The following is an entry in ClinVar:

NM_024105.4(ALG12):c.449A>G (p.Asn150Ser)

Gene: ALG12 (ALG12 alpha-1,6-mannosyltransferase; minus strand). Cytogenetic location: 22q13.33.
Variant type: single nucleotide variant.
Coding change: c.449A>G on transcript NM_024105.4 (MANE Select); coding-DNA position 449, A replaced by G.
Protein change: p.Asn150Ser; replaces asparagine 150 with serine.
Molecular consequence: missense variant.
Genome position (GRCh38, 1-based): chr22:49,910,454, T>C on the plus strand (A>G on the coding strand, the complement: ALG12 is on the minus strand). VCF-style: chr22-49910454-T-C. GRCh37 (hg19) VCF-style: chr22-50304102-T-C.
Other names: c.449A>G (NM_024105.3); short protein forms N150S.
Identifiers: ClinVar variation 1415356 (VCV001415356.9), dbSNP rs2060570009, ClinGen allele CA412077470.
Genomic context (GRCh38, chr22:49,910,454, plus strand): 5'-CGGCACCATGGGTGTGCAGGCCCGGCCGGCAGCTACGTACCTACAGGCAGGGCCAGCACA[T>C]TGGGCAGTGTCCGCGTGCAGTAGAACATCAGGTGGAACTGCATGGCCGTCACCCAGCAGA-3'
Protein context (NP_077010.1, residues 140-160): LMFYCTRTLP[Asn150Ser]VLALPVVLLA

ClinVar aggregate classification (germline): Conflicting classifications of pathogenicity. Review status: criteria provided, conflicting classifications (1 of 4 stars). 3 submissions from 3 submitters: Likely pathogenic (1); Uncertain significance (2). Last evaluated 2025-11-20.

Conditions:
Inborn genetic diseases. Identifiers: MedGen C0950123, MeSH D030342.
ALG12-congenital disorder of glycosylation (CDG1G). Also called: ALG12-CDG; CDG Ig; Congenital disorder of glycosylation, type Ig. Identifiers: Orphanet 79324, MedGen C2931001, MONDO:0011783, OMIM 607143.

Allele frequency attached by ClinVar (database versions not stated): gnomAD 0.00001.
gnomAD v4.1: 3 of 1,613,450 alleles (0.00019%); highest among the groups gnomAD compares: Admixed American, 0.0033%; no homozygotes.

Submissions (3):

Labcorp Genetics (formerly Invitae), Labcorp
Classification: Uncertain significance for ALG12-congenital disorder of glycosylation. Last evaluated: 2025-11-20. Review status: criteria provided, single submitter. Criteria: Invitae Variant Classification Sherloc (09022015). Collection method: clinical testing. Allele origin: germline.
Comment: This sequence change replaces asparagine, which is neutral and polar, with serine, which is neutral and polar, at codon 150 of the ALG12 protein (p.Asn150Ser). This variant is not present in population databases (gnomAD no frequency). This variant has not been reported in the literature in individuals affected with ALG12-related conditions. ClinVar contains an entry for this variant (Variation ID: 1415356). Invitae Evidence Modeling of protein sequence and biophysical properties (such as structural, functional, and spatial information, amino acid conservation, physicochemical variation, residue mobility, and thermodynamic stability) indicates that this missense variant is expected to disrupt ALG12 protein function with a positive predictive value of 80%. In summary, the available evidence is currently insufficient to determine the role of this variant in disease. Therefore, it has been classified as a Variant of Uncertain Significance.

GeneDx
Classification: Likely pathogenic. Last evaluated: 2024-09-09. Review status: criteria provided, single submitter. Criteria: GeneDx Variant Classification Process June 2021. Collection method: clinical testing. Allele origin: germline. Affected: yes.
Comment: Not observed at significant frequency in large population cohorts (gnomAD); In silico analysis supports that this missense variant has a deleterious effect on protein structure/function; This variant is associated with the following publications: (PMID: 38876156)

Ambry Genetics
Classification: Uncertain significance for Inborn genetic diseases. Last evaluated: 2020-07-23. Review status: criteria provided, single submitter. Criteria: Ambry Variant Classification Scheme 2023. Collection method: clinical testing. Allele origin: germline.
Comment: The alteration results in an amino acid change:_x000D_ _x000D_ The c.449A>G (p.N150S) alteration is located in exon 4 (coding exon 3) of the ALG12 gene. This alteration results from an A to G substitution at nucleotide position 449, causing the asparagine (N) at amino acid position 150 to be replaced by a serine (S). The alteration is not observed in population databases:_x000D_ _x000D_ Based on data from the Genome Aggregation Database (gnomAD), the ALG12 c.449A>G alteration was not observed, with coverage at this position. The altered amino acid is conserved throughout evolution:_x000D_ _x000D_ The p.N150 amino acid is conserved in available vertebrate species. The alteration is predicted tolerated by in silico modeling:_x000D_ _x000D_ The p.N150S alteration is predicted to be tolerated by in silico analysis. Based on insufficient or conflicting evidence, the clinical significance of this alteration remains unclear.